The following is an entry in ClinVar:

ClinVar aggregate classification (germline): Uncertain significance. Review status: criteria provided, multiple submitters, no conflicts (2 of 4 stars). 2 submissions from 2 submitters: Uncertain significance (2). Last evaluated 2023-07-01.

Conditions:
Hereditary spastic paraplegia 49 (HSAN9). Also called: Spastic paraplegia 49, autosomal recessive; NEUROPATHY, HEREDITARY SENSORY AND AUTONOMIC, TYPE IX, WITH DEVELOPMENTAL DELAY; TECPR2-Related Hereditary Sensory and Autonomic Neuropathy with Intellectual Disability. Identifiers: Orphanet 320385, MedGen C5190860, MONDO:0014016, OMIM 615031.

Allele frequency attached by ClinVar (database versions not stated): TOPMed below 0.00001; gnomAD exomes 0.00002 and 0.00005; ExAC 0.00010.
gnomAD v4.1: 31 of 1,609,434 alleles (0.0019%); highest among the groups gnomAD compares: East Asian, 0.0022%; no homozygotes.

Submissions (2):

DECIPHERD-UDD, Universidad del Desarrollo
Classification: Uncertain significance for Hereditary spastic paraplegia 49. Last evaluated: 2023-07-01. Review status: criteria provided, single submitter. Criteria: ACMG Guidelines, 2015. Collection method: research. Allele origin: biparental. Affected: yes.

Institute of Human Genetics, University of Leipzig Medical Center
Classification: Uncertain significance for Hereditary spastic paraplegia 49. Last evaluated: 2021-01-16. Review status: criteria provided, single submitter. Criteria: ACMG Guidelines, 2015. Collection method: clinical testing. Allele origin: inherited. Inheritance: Autosomal recessive inheritance. Affected: yes. Observed: 1 variant allele, 1 homozygote.
Comment: This missense variant c.4006C>T, p.(Arg1336Trp) in exon 19/20 of TECPR2 has a minor allele frequency of 0.004836% and has not been reported homozygously in the general population. Biallelic truncating or missense variants have been described to cause â€œSpastic paraplegia 49, autosomal recessiveâ€ (Oz-Levi et al. Am J Hum Genet. 2012, PMID: 23176824). Taken together, we classify this variant as of uncertain significance based on the ACMG recommendations (Richards et al., 2015, PMID 25741868; criteria: PM2).

Literature cited by the submitters: PubMed 38177409 (cited by DECIPHERD-UDD, Universidad del Desarrollo).

NM_014844.5(TECPR2):c.4006C>T (p.Arg1336Trp)

Gene: TECPR2 (tectonin beta-propeller repeat containing 2; plus strand). Cytogenetic location: 14q32.31.
Variant type: single nucleotide variant.
Coding change: c.4006C>T on transcript NM_014844.5 (MANE Select); coding-DNA position 4006, C replaced by T.
Protein change: p.Arg1336Trp; replaces arginine 1336 with tryptophan.
Molecular consequence: missense variant.
Genome position (GRCh38, 1-based): chr14:102,497,644, C>T. VCF-style: chr14-102497644-C-T. GRCh37 (hg19) VCF-style: chr14-102963981-C-T.
Other names: short protein forms R1336W.
Identifiers: ClinVar variation 996005 (VCV000996005.4), dbSNP rs778817517, ClinGen allele CA7358436.